The following is an entry in ClinVar:

ClinVar aggregate classification (germline): Pathogenic (1 of 4 stars; one submission).

Conditions:
Inborn genetic diseases. Identifiers: MedGen C0950123, MeSH D030342.

Submission:

Ambry Genetics
Classification: Pathogenic for Inborn genetic diseases. Last evaluated: 2025-12-19. Review status: criteria provided, single submitter. Criteria: Ambry Variant Classification Scheme 2023. Collection method: clinical testing. Allele origin: germline.
Comment: The c.2353_2354dupAG (p.L786Gfs*2) alteration, located in exon 15 (coding exon 15) of the DCC gene, consists of a duplication of AG at position 2353, causing a translational frameshift with a predicted alternate stop codon after 2 amino acids. This alteration is expected to result in loss of function by premature protein truncation or nonsense-mediated mRNA decay. This variant was not reported in population-based cohorts in the Genome Aggregation Database (gnomAD). Based on the available evidence, this alteration is classified as pathogenic.

NM_005215.4(DCC):c.2353_2354dup (p.Leu786fs)

Gene: DCC (DCC netrin 1 receptor; plus strand). Cytogenetic location: 18q21.2.
Variant type: Microsatellite.
Coding change: c.2353_2354dup on transcript NM_005215.4 (MANE Select); coding-DNA positions 2353 to 2354, 2 bases duplicated (AG; older notation c.2353_2354dupAG).
Protein change: p.Leu786fs; shifts the reading frame from leucine 786.
Molecular consequence: frameshift variant.
Genome position (GRCh38, 1-based): chr18:53,339,901-53,339,902, AG duplicated; duplicating any 2 consecutive bases within chr18:53,339,898-53,339,902 gives the same sequence; the c. name uses the placement nearest the transcript's 3' end. VCF-style (leftmost placement, unchanged base first): chr18-53339897-T-TGA. GRCh37 (hg19) VCF-style: chr18-50866267-T-TGA.
Other names: short protein forms L786fs.
Identifiers: ClinVar variation 4832987 (VCV004832987.1).